The following is an entry in ClinVar:

NM_004333.6(BRAF):c.1141-1355C>T

Gene: BRAF (B-Raf proto-oncogene, serine/threonine kinase; minus strand). Cytogenetic location: 7q34.
Variant type: single nucleotide variant.
Coding change: c.1141-1355C>T on transcript NM_004333.6 (MANE Select); 1355 bases into the intron before coding-DNA position 1141, C replaced by T.
Molecular consequence: intron variant.
Genome position (GRCh38, 1-based): chr7:140,788,939, G>A on the plus strand (C>T on the coding strand, the complement: BRAF is on the minus strand). VCF-style: chr7-140788939-G-A. GRCh37 (hg19) VCF-style: chr7-140488739-G-A.
Other names: c.1141-1355C>T (NM_001378474.1, NM_001378468.1, NM_001354609.2 and 3 more transcripts); c.1039-1355C>T (NM_001378470.1); c.877-1355C>T (NM_001378475.1); c.1140+5369C>T (NM_001378471.1); c.1150-1355C>T (NM_001378467.1); c.985-1355C>T (NM_001378472.1, NM_001378473.1).
Identifiers: ClinVar variation 2658049 (VCV002658049.24), dbSNP rs367802462, ClinGen allele CA168096019.

ClinVar aggregate classification (germline): Likely benign (1 of 4 stars; one submission).

Allele frequency attached by ClinVar (database versions not stated): gnomAD 0.00011; TOPMed 0.00011; 1000 Genomes Project 0.00080; 1000 Genomes Project 30x 0.00109.
gnomAD v4.1: 17 of 151,816 alleles (0.011%); highest among the groups gnomAD compares: South Asian, 0.15%; no homozygotes.

Submission:

CeGaT Center for Human Genetics Tuebingen
Classification: Likely benign. Last evaluated: 2026-03-01. Review status: criteria provided, single submitter. Criteria: CeGaT Center For Human Genetics Tuebingen Variant Classification Criteria Version 2. Collection method: clinical testing. Allele origin: germline. Affected: yes. Observed: 4 variant alleles.
Comment: BRAF: BS1